The following is an entry in ClinVar:

NM_001130438.3(SPTAN1):c.4457A>C (p.Lys1486Thr)

Gene: SPTAN1 (spectrin alpha, non-erythrocytic 1; plus strand). Cytogenetic location: 9q34.11.
Variant type: single nucleotide variant.
Coding change: c.4457A>C on transcript NM_001130438.3 (MANE Select); coding-DNA position 4457, A replaced by C.
Protein change: p.Lys1486Thr; replaces lysine 1486 with threonine.
Molecular consequence: missense variant.
Genome position (GRCh38, 1-based): chr9:128,608,242, A>C. VCF-style: chr9-128608242-A-C. GRCh37 (hg19) VCF-style: chr9-131370521-A-C.
Other names: c.4397A>C, p.Lys1466Thr (NM_001195532.2, NM_001363765.2, NM_001375314.2); c.4457A>C, p.Lys1486Thr (NM_001363759.2, NM_001375310.1, NM_001375311.2 and 2 more transcripts); c.4493A>C, p.Lys1498Thr (NM_001375312.2, NM_001375318.1); short protein forms K1466T, K1486T, K1498T.
Identifiers: ClinVar variation 2505038 (VCV002505038.1), dbSNP rs2541758205, ClinGen allele CA375067282.

ClinVar aggregate classification (germline): Uncertain significance (1 of 4 stars; one submission).

Submission:

GeneDx
Classification: Uncertain significance. Last evaluated: 2022-12-08. Review status: criteria provided, single submitter. Criteria: GeneDx Variant Classification Process June 2021. Collection method: clinical testing. Allele origin: germline. Affected: yes.
Comment: Not observed at significant frequency in large population cohorts (gnomAD); In silico analysis supports that this missense variant has a deleterious effect on protein structure/function; Has not been previously published as pathogenic or benign to our knowledge